The following is an entry in ClinVar:

ClinVar aggregate classification (germline): Conflicting classifications of pathogenicity. Review status: criteria provided, conflicting classifications (1 of 4 stars). 8 submissions from 8 submitters: Uncertain significance (4); Likely benign (4). Last evaluated 2025-12-29.

Conditions:
Long QT syndrome (LQTS). Identifiers: MedGen C0023976, MeSH D008133, MONDO:0002442. Disease mechanism: loss of function. Inheritance: Various modes of inheritance.
Cardiac arrhythmia, ankyrin-B-related. Also called: ANKYRIN-B SYNDROME. Identifiers: Orphanet 101016, Orphanet 768, MedGen C1970119, MONDO:0010958, OMIM 600919.
Cardiovascular phenotype. Identifiers: MedGen CN230736.

Allele frequency attached by ClinVar (database versions not stated): ExAC 0.00019; gnomAD exomes 0.00022 and 0.00042; gnomAD 0.00025 and 0.00027; ESP Exome Variant Server 0.00031; TOPMed 0.00037.

Submissions (8):

Labcorp Genetics (formerly Invitae), Labcorp
Classification: Uncertain significance for Long QT syndrome. Last evaluated: 2025-12-29. Review status: criteria provided, single submitter. Criteria: Invitae Variant Classification Sherloc (09022015). Collection method: clinical testing. Allele origin: germline.
Comment: This sequence change replaces alanine, which is neutral and non-polar, with glycine, which is neutral and non-polar, at codon 2948 of the ANK2 protein (p.Ala2948Gly). This variant is present in population databases (rs138438183, gnomAD 0.04%), and has an allele count higher than expected for a pathogenic variant. This missense change has been observed in individual(s) with Brugada syndrome (PMID: 26230511). ClinVar contains an entry for this variant (Variation ID: 379553). An algorithm developed to predict the effect of missense changes on protein structure and function (PolyPhen-2) suggests that this variant is likely to be tolerated. In summary, the available evidence is currently insufficient to determine the role of this variant in disease. Therefore, it has been classified as a Variant of Uncertain Significance.

Molecular Diagnostic Laboratory for Inherited Cardiovascular Disease, Montreal Heart Institute
Classification: Likely benign. Last evaluated: 2025-04-09. Review status: criteria provided, single submitter. Criteria: ACMG Guidelines, 2015. Collection method: clinical testing. Allele origin: germline. Affected: no.
Comment: BS1, BP4

Women's Health and Genetics/Laboratory Corporation of America, LabCorp
Classification: Likely benign. Last evaluated: 2024-12-27. Review status: criteria provided, single submitter. Criteria: LabCorp Variant Classification Summary - May 2015. Collection method: clinical testing. Allele origin: germline.
Comment: Variant summary: ANK2 c.8843C>G (p.Ala2948Gly) results in a non-conservative amino acid change in the encoded protein sequence. Four of five in-silico tools predict a benign effect of the variant on protein function. The variant allele was found at a frequency of 0.00022 in 250808 control chromosomes. The observed variant frequency is approximately 32.89 fold of the estimated maximal expected allele frequency for a pathogenic variant in ANK2 causing Long QT Syndrome phenotype (6.7e-06). c.8843C>G has been reported in the literature in two affected individuals and one unaffected individual frm one family (Allegue_2015). These report(s) do not provide unequivocal conclusions about association of the variant with Long QT Syndrome. To our knowledge, no experimental evidence demonstrating an impact on protein function has been reported. The following publication have been ascertained in the context of this evaluation (PMID: 26230511). ClinVar contains an entry for this variant (Variation ID: 379553). Based on the evidence outlined above, the variant was classified as likely benign.

Blueprint Genetics
Classification: Likely benign. Last evaluated: 2024-08-07. Review status: criteria provided, single submitter. Criteria: ACMG Guidelines, 2015. Collection method: clinical testing. Allele origin: germline.

GeneDx
Classification: Uncertain significance. Last evaluated: 2024-02-12. Review status: criteria provided, single submitter. Criteria: GeneDx Variant Classification Process June 2021. Collection method: clinical testing. Allele origin: germline. Affected: yes.
Comment: Reported as a variant of uncertain significance in two sisters and in an unrelated patient with Brugada syndrome (PMID: 26230511, 30821013); In silico analysis indicates that this missense variant does not alter protein structure/function; Located in exon 38, which is reported as being expressed in a brain-specific transcript (PMID: 1830053, 18790697, 26109584); This variant is associated with the following publications: (PMID: 30821013, 26230511, 1830053, 18790697, 26109584)

Fulgent Genetics
Classification: Uncertain significance for Cardiac arrhythmia, ankyrin-B-related. Last evaluated: 2018-10-31. Review status: criteria provided, single submitter. Criteria: ACMG Guidelines, 2015. Collection method: clinical testing. Allele origin: unknown.

Ambry Genetics
Classification: Likely benign for Cardiovascular phenotype. Last evaluated: 2018-04-19. Review status: criteria provided, single submitter. Criteria: Ambry Variant Classification Scheme 2023. Collection method: clinical testing. Allele origin: germline.

Illumina Laboratory Services, Illumina
Classification: Uncertain significance for Cardiac arrhythmia, ankyrin-B-related. Last evaluated: 2017-04-27. Review status: criteria provided, single submitter. Criteria: ICSL Variant Classification Criteria 13 December 2019. Collection method: clinical testing. Allele origin: germline.
Comment: This variant was observed as part of a predisposition screen in an ostensibly healthy population. A literature search was performed for the gene, cDNA change, and amino acid change (where applicable). Publications were found based on this search. However, the evidence from the literature, in combination with allele frequency data from public databases where available, was not sufficient to rule this variant in or out of causing disease. Therefore, this variant is classified as a variant of unknown significance.

Literature cited by the submitters: PubMed 26230511 (cited by 4 submitters).

NM_001148.6(ANK2):c.8843C>G (p.Ala2948Gly)

Gene: ANK2 (ankyrin 2; plus strand). Cytogenetic location: 4q26.
Variant type: single nucleotide variant.
Coding change: c.8843C>G on transcript NM_001148.6 (MANE Select); coding-DNA position 8843, C replaced by G.
Protein change: p.Ala2948Gly; replaces alanine 2948 with glycine.
Molecular consequence: missense variant. On other transcripts: intron variant (68).
Genome position (GRCh38, 1-based): chr4:113,357,461, C>G. VCF-style: chr4-113357461-C-G. GRCh37 (hg19) VCF-style: chr4-114278617-C-G.
Other names: c.8609C>G, p.Ala2870Gly (NM_001386142.1); c.5243C>G, p.Ala1748Gly (NM_001386166.1); c.8984C>G, p.Ala2995Gly (NM_001386174.1); c.8960C>G, p.Ala2987Gly (NM_001386175.1); c.4412-3362C>G (NM_001386186.2, NM_001386148.2); c.4214-3362C>G (NM_001354269.3); c.4292-3362C>G (NM_001386187.2); c.4253-3362C>G (NM_001386147.1); and 36 more; short protein forms A2948G, A1748G, A2870G, A2987G, A2995G.
Identifiers: ClinVar variation 379553 (VCV000379553.24), dbSNP rs138438183, ClinGen allele CA3051837.